The following is an entry in ClinVar:

NM_002608.4(PDGFB):c.475G>A (p.Val159Met)

Gene: PDGFB (platelet derived growth factor subunit B; minus strand). Cytogenetic location: 22q13.1.
Variant type: single nucleotide variant.
Coding change: c.475G>A on transcript NM_002608.4 (MANE Select); coding-DNA position 475, G replaced by A.
Protein change: p.Val159Met; replaces valine 159 with methionine.
Molecular consequence: missense variant.
Genome position (GRCh38, 1-based): chr22:39,230,210, C>T on the plus strand (G>A on the coding strand, the complement: PDGFB is on the minus strand). VCF-style: chr22-39230210-C-T. GRCh37 (hg19) VCF-style: chr22-39626215-C-T.
Other names: c.430G>A, p.Val144Met (NM_033016.3); short protein forms V144M, V159M.
Identifiers: ClinVar variation 4823749 (VCV004823749.4).

ClinVar aggregate classification (germline): Uncertain significance (1 of 4 stars; one submission).

Submission:

CeGaT Center for Human Genetics Tuebingen
Classification: Uncertain significance. Last evaluated: 2026-03-01. Review status: criteria provided, single submitter. Criteria: CeGaT Center For Human Genetics Tuebingen Variant Classification Criteria Version 2. Collection method: clinical testing. Allele origin: germline. Affected: yes. Observed: 1 variant allele.
Comment: PDGFB: PM2, PP2